The following is an entry in ClinVar:

NM_004329.3(BMPR1A):c.-336C>T

Genes: BMPR1A (bone morphogenetic protein receptor type 1A; plus strand), LOC130004245 (ATAC-STARR-seq lymphoblastoid silent region 2573; plus strand). Cytogenetic location: 10q23.2.
Variant type: single nucleotide variant.
Coding change: c.-336C>T on transcript NM_004329.3 (MANE Select); 336 bases upstream of the start codon, C replaced by T.
Molecular consequence: 5 prime UTR variant.
Genome position (GRCh38, 1-based): chr10:86,756,851, C>T. VCF-style: chr10-86756851-C-T. GRCh37 (hg19) VCF-style: chr10-88516608-C-T.
Identifiers: ClinVar variation 877500 (VCV000877500.5), dbSNP rs371471802, ClinGen allele CA211181823.
Genomic context (GRCh38, chr10:86,756,851, plus strand): 5'-AGGGGCGACCGGGTCGGGGCCGCTGCACGCCAAGGGCGAAGGCCGATTCGGGCCCCACTT[C>T]GCCCCGGCGGCTCGCCGCGCCCACCCGCTCCGCGCCGAGGGCTGGAGGATGCGTTCCCTG-3'

ClinVar aggregate classification (germline): Conflicting classifications of pathogenicity. Review status: criteria provided, conflicting classifications (1 of 4 stars). 2 submissions from 2 submitters: Uncertain significance (1); Likely benign (1). Last evaluated 2025-12-09.

Conditions:
BMPR1A-related disorder. Also called: BMPR1A-related condition.
Generalized juvenile polyposis/juvenile polyposis coli. Also called: Juvenile polyposis coli. Identifiers: Orphanet 329971, MedGen C1868081, MONDO:0008276.

Allele frequency attached by ClinVar (database versions not stated): gnomAD 0.00010 and 0.00007; TOPMed 0.00015; 1000 Genomes Project 30x 0.00047.

Submissions (2):

PreventionGenetics, part of Exact Sciences
Classification: Likely benign for BMPR1A-related condition. Last evaluated: 2025-12-09. Review status: criteria provided, single submitter. Criteria: ACMG Guidelines, 2015. Collection method: clinical testing. Allele origin: germline.
Comment: This variant is classified as likely benign based on ACMG/AMP sequence variant interpretation guidelines (Richards et al. 2015 PMID: 25741868, with internal and published modifications).

Illumina Laboratory Services, Illumina
Classification: Uncertain significance for Juvenile polyposis syndrome. Last evaluated: 2018-01-13. Review status: criteria provided, single submitter. Criteria: ICSL Variant Classification Criteria 13 December 2019. Collection method: clinical testing. Allele origin: germline.